The following is an entry in ClinVar:

ClinVar aggregate classification (germline): Uncertain significance. Review status: criteria provided, multiple submitters, no conflicts (2 of 4 stars). 3 submissions from 3 submitters: Uncertain significance (3). Last evaluated 2022-03-25.

Conditions:
Hypogonadotropic hypogonadism 3 with or without anosmia (HH3). Also called: PROKR2-Related GnRH Deficiency (Kallmann Syndrome 3); HYPOGONADOTROPIC HYPOGONADISM 3 WITH ANOSMIA. Identifiers: Orphanet 478, MedGen C3550478, MONDO:0009482, OMIM 244200.

Allele frequency attached by ClinVar (database versions not stated): TOPMed 0.00003; ESP Exome Variant Server 0.00008.
gnomAD v4.1: 159 of 1,614,018 alleles (0.0099%); highest among the groups gnomAD compares: Non-Finnish European, 0.012%; no homozygotes.

Submissions (3):

Fulgent Genetics
Classification: Uncertain significance for Hypogonadotropic hypogonadism 3 with or without anosmia. Last evaluated: 2022-03-25. Review status: criteria provided, single submitter. Criteria: ACMG Guidelines, 2015. Collection method: clinical testing. Allele origin: unknown.

GeneDx
Classification: Uncertain significance. Last evaluated: 2019-09-26. Review status: criteria provided, single submitter. Criteria: GeneDx Variant Classification Process June 2021. Collection method: clinical testing. Allele origin: germline. Affected: yes.
Comment: In silico analysis, which includes protein predictors and evolutionary conservation, supports that this variant does not alter protein structure/function; Has not been previously published as pathogenic or benign to our knowledge; This variant is associated with the following publications: (PMID: 23386640)

Illumina Laboratory Services, Illumina
Classification: Uncertain significance for Hypogonadotropic hypogonadism 3 with or without anosmia. Last evaluated: 2017-04-28. Review status: criteria provided, single submitter. Criteria: ICSL Variant Classification Criteria 13 December 2019. Collection method: clinical testing. Allele origin: germline.

NM_144773.4(PROKR2):c.1111G>A (p.Gly371Arg)

Gene: PROKR2 (prokineticin receptor 2; minus strand). Cytogenetic location: 20p12.3.
Variant type: single nucleotide variant.
Coding change: c.1111G>A on transcript NM_144773.4 (MANE Select); coding-DNA position 1111, G replaced by A.
Protein change: p.Gly371Arg; replaces glycine 371 with arginine.
Molecular consequence: missense variant.
Genome position (GRCh38, 1-based): chr20:5,302,084, C>T on the plus strand (G>A on the coding strand, the complement: PROKR2 is on the minus strand). VCF-style: chr20-5302084-C-T. GRCh37 (hg19) VCF-style: chr20-5282730-C-T.
Other names: short protein forms G371R.
Identifiers: ClinVar variation 895677 (VCV000895677.6), dbSNP rs201023639, ClinGen allele CA9754197.